The following is an entry in ClinVar:

NM_016343.4(CENPF):c.8460A>G (p.Gln2820=)

Gene: CENPF (centromere protein F; plus strand). Cytogenetic location: 1q41.
Variant type: single nucleotide variant.
Coding change: c.8460A>G on transcript NM_016343.4 (MANE Select); coding-DNA position 8460, A replaced by G.
Protein change: p.Gln2820=; no amino-acid change (glutamine 2820 retained).
Molecular consequence: synonymous variant.
Genome position (GRCh38, 1-based): chr1:214,655,378, A>G. VCF-style: chr1-214655378-A-G. GRCh37 (hg19) VCF-style: chr1-214828721-A-G.
Identifiers: ClinVar variation 3345937 (VCV003345937.1).

ClinVar aggregate classification (germline): Likely benign (0 of 4 stars; one submission).

Conditions:
CENPF-related disorder. Also called: CENPF-related condition.

gnomAD v4.1: 8 of 1,605,392 alleles (0.0005%); highest among the groups gnomAD compares: Admixed American, 0.0051%; no homozygotes.

Submission:

PreventionGenetics, part of Exact Sciences
Classification: Likely benign for CENPF-related condition. Last evaluated: 2024-08-12. Review status: no assertion criteria provided. Collection method: clinical testing. Allele origin: germline.
Comment: This variant is classified as likely benign based on ACMG/AMP sequence variant interpretation guidelines (Richards et al. 2015 PMID: 25741868, with internal and published modifications).